The following is an entry in ClinVar:

ClinVar aggregate classification (germline): Pathogenic/Likely pathogenic. Review status: criteria provided, multiple submitters, no conflicts (2 of 4 stars). 3 submissions from 3 submitters: Pathogenic (1); Likely pathogenic (2). Last evaluated 2025-03-02.

Conditions:
Fanconi anemia (FA). Also called: Fanconi's anemia. Identifiers: Orphanet 84, MedGen C0015625, MeSH D005199, MONDO:0019391.
Fanconi anemia complementation group G. Also called: Fanconi anemia group G; FANCG-Related Fanconi Anemia. Identifiers: Orphanet 84, MedGen C3469527, MONDO:0013565, OMIM 614082.

Allele frequency attached by ClinVar (database versions not stated): gnomAD exomes below 0.00001.

Submissions (3):

Natera, Inc.
Classification: Likely pathogenic for Fanconi anemia group G. Last evaluated: 2025-03-02. Review status: criteria provided, single submitter. Criteria: Natera Variant Classification Schema (03/2026). Collection method: clinical testing. Allele origin: germline.
Comment: The c.694_695del variant in FANCG is a frameshift variant predicted to shift the reading frame beginning at codon 232 and leads to a stop codon 2 codons downstream. This variant is expected to result in nonsense mediated decay, truncation, or a dysfunctional protein product. This variant is rare in the general population with a frequency below the threshold expected for the associated phenotype(s). Given the available evidence, this variant is classified as Likely Pathogenic.

Labcorp Genetics (formerly Invitae), Labcorp
Classification: Pathogenic for Fanconi anemia. Last evaluated: 2023-10-04. Review status: criteria provided, single submitter. Criteria: Invitae Variant Classification Sherloc (09022015). Collection method: clinical testing. Allele origin: germline.
Comment: This sequence change creates a premature translational stop signal (p.Leu232Serfs*2) in the FANCG gene. It is expected to result in an absent or disrupted protein product. Loss-of-function variants in FANCG are known to be pathogenic (PMID: 12552564). This variant is not present in population databases (gnomAD no frequency). This variant has not been reported in the literature in individuals affected with FANCG-related conditions. For these reasons, this variant has been classified as Pathogenic.

Baylor Genetics
Classification: Likely pathogenic for Fanconi anemia complementation group G. Last evaluated: 2021-12-30. Review status: criteria provided, single submitter. Criteria: ACMG Guidelines, 2015. Collection method: clinical testing. Allele origin: unknown.

Literature cited by the submitters: PubMed 12552564 (cited by Labcorp Genetics (formerly Invitae), Labcorp).

NM_004629.2(FANCG):c.694_695del (p.Leu232fs)

Gene: FANCG (FA complementation group G; minus strand). Cytogenetic location: 9p13.3.
Variant type: Deletion.
Coding change: c.694_695del on transcript NM_004629.2 (MANE Select); coding-DNA positions 694 to 695, 2 bases deleted (CT; older notation c.694_695delCT).
Protein change: p.Leu232fs; shifts the reading frame from leucine 232.
Molecular consequence: frameshift variant.
Genome position (GRCh38, 1-based): chr9:35,077,053-35,077,054, AG deleted on the plus strand (CT on the coding strand, the reverse complement: FANCG is on the minus strand). VCF-style (leftmost placement, unchanged base first): chr9-35077052-AAG-A. GRCh37 (hg19) VCF-style: chr9-35077049-AAG-A.
Other names: c.694_695del (NM_004629.1); short protein forms L232fs.
Identifiers: ClinVar variation 2675589 (VCV002675589.6), dbSNP rs2490403634, ClinGen allele CA2689841239.
Genomic context (GRCh38, chr9:35,077,052, plus strand): 5'-CAGTGCTGTGTACACCTGGACCAACACAGGCCGTGGACACAGGCCTGAGGCCGCTTCATG[AAG>A]GCTGCTTAGTGCCTTGTCTGGGTTCCCTGTGATCAGCTCCTGGAGACCTGAGGACAGTCA-3'